The following is an entry in ClinVar:

NM_201384.3(PLEC):c.12465C>T (p.Tyr4155=)

Gene: PLEC (plectin; minus strand). Cytogenetic location: 8q24.3.
Variant type: single nucleotide variant.
Coding change: c.12465C>T on transcript NM_201384.3 (MANE Select); coding-DNA position 12465, C replaced by T.
Protein change: p.Tyr4155=; no amino-acid change (tyrosine 4155 retained).
Molecular consequence: synonymous variant.
Genome position (GRCh38, 1-based): chr8:143,917,356, G>A on the plus strand (C>T on the coding strand, the complement: PLEC is on the minus strand). VCF-style: chr8-143917356-G-A. GRCh37 (hg19) VCF-style: chr8-144991524-G-A.
Other names: c.12546C>T, p.Tyr4182= (NM_000445.5); c.12423C>T, p.Tyr4141= (NM_201378.4); c.12399C>T, p.Tyr4133= (NM_201379.3); c.12876C>T, p.Tyr4292= (NM_201380.4); c.12369C>T, p.Tyr4123= (NM_201381.3); c.12465C>T, p.Tyr4155= (NM_201382.4); c.12477C>T, p.Tyr4159= (NM_201383.3).
Identifiers: ClinVar variation 704303 (VCV000704303.16), dbSNP rs773080070, ClinGen allele CA4924078.

ClinVar aggregate classification (germline): Likely benign. Review status: criteria provided, multiple submitters, no conflicts (2 of 4 stars). 4 submissions from 4 submitters: Likely benign (3). 1 of the submissions does not count toward it. Last evaluated 2026-01-12.

Conditions:
Epidermolysis bullosa simplex with nail dystrophy (EBS5D). Identifiers: MedGen C4225309, MONDO:0014661, OMIM 616487.
Epidermolysis bullosa simplex 5C, with pyloric atresia (EBS5C). Also called: PLEC-Related Epidermolysis Bullosa with Pyloric Atresia; Epidermolysis bullosa simplex with pyloric atresia; PLEC1-Related Epidermolysis Bullosa with Pyloric Atresia. Identifiers: Orphanet 158684, MedGen C2677349, MONDO:0012807, OMIM 612138.
Autosomal recessive limb-girdle muscular dystrophy type 2Q (LGMDR17). Also called: MUSCULAR DYSTROPHY, LIMB-GIRDLE, AUTOSOMAL RECESSIVE 17. Identifiers: Orphanet 254361, MedGen C3150989, MONDO:0013390, OMIM 613723.
Epidermolysis bullosa simplex 5B, with muscular dystrophy (EBS5B). Also called: EPIDERMOLYSIS BULLOSA SIMPLEX AND LIMB-GIRDLE MUSCULAR DYSTROPHY; Epidermolysis bullosa simplex with muscular dystrophy. Identifiers: Orphanet 257, MedGen C2931072, MONDO:0009181, OMIM 226670.
Epidermolysis bullosa simplex, Ogna type (EBS5A). Also called: Pidermolysis bullosa simplex 5A, Ogna type; EPIDERMOLYSIS BULLOSA SIMPLEX 5A, OGNA TYPE. Identifiers: Orphanet 79401, MedGen C0432317, MONDO:0007555, OMIM 131950.
PLEC-related disorder. Also called: PLEC-related condition; PLEC-related disorders.

Allele frequency attached by ClinVar (database versions not stated): gnomAD 0.00008 and 0.00009; TOPMed 0.00010; gnomAD exomes 0.00011 and 0.00022; ExAC 0.00023.
gnomAD v4.1: 178 of 1,610,176 alleles (0.011%); highest among the groups gnomAD compares: Middle Eastern, 0.066%; 1 homozygote.

Submissions (4):

Labcorp Genetics (formerly Invitae), Labcorp
Classification: Likely benign for Autosomal recessive limb-girdle muscular dystrophy type 2Q; Epidermolysis bullosa simplex, Ogna type; Epidermolysis bullosa simplex with nail dystrophy; Epidermolysis bullosa simplex 5C, with pyloric atresia; Epidermolysis bullosa simplex 5B, with muscular dystrophy. Last evaluated: 2026-01-12. Review status: criteria provided, single submitter. Criteria: Invitae Variant Classification Sherloc (09022015). Collection method: clinical testing. Allele origin: germline.

Blueprint Genetics
Classification: Likely benign. Last evaluated: 2024-09-08. Review status: criteria provided, single submitter. Criteria: ACMG Guidelines, 2015. Collection method: clinical testing. Allele origin: germline.

Revvity Omics, Revvity
Classification: Likely benign. Last evaluated: 2024-03-15. Review status: criteria provided, single submitter. Criteria: ACMG Guidelines, 2015. Collection method: clinical testing. Allele origin: germline.

PreventionGenetics, part of Exact Sciences
Classification: Likely benign for PLEC-related condition. Last evaluated: 2019-06-07. Review status: no assertion criteria provided. Collection method: clinical testing. Allele origin: germline. Not counted in ClinVar's aggregate classification.
Comment: This variant is classified as likely benign based on ACMG/AMP sequence variant interpretation guidelines (Richards et al. 2015 PMID: 25741868, with internal and published modifications).